The following is an entry in ClinVar:

ClinVar aggregate classification (germline): Uncertain significance (1 of 4 stars; one submission).

Submission:

Labcorp Genetics (formerly Invitae), Labcorp
Classification: Uncertain significance. Last evaluated: 2021-12-20. Review status: criteria provided, single submitter. Criteria: Invitae Variant Classification Sherloc (09022015). Collection method: clinical testing. Allele origin: germline.
Comment: This sequence change replaces proline, which is neutral and non-polar, with serine, which is neutral and polar, at codon 240 of the COL4A5 protein (p.Pro240Ser). This variant is not present in population databases (gnomAD no frequency). This variant has not been reported in the literature in individuals affected with COL4A5-related conditions. Advanced modeling of protein sequence and biophysical properties (such as structural, functional, and spatial information, amino acid conservation, physicochemical variation, residue mobility, and thermodynamic stability) performed at Invitae indicates that this missense variant is not expected to disrupt COL4A5 protein function. In summary, the available evidence is currently insufficient to determine the role of this variant in disease. Therefore, it has been classified as a Variant of Uncertain Significance.

NM_033380.3(COL4A5):c.718C>T (p.Pro240Ser)

Gene: COL4A5 (collagen type IV alpha 5 chain; plus strand). Cytogenetic location: Xq22.3.
Variant type: single nucleotide variant.
Coding change: c.718C>T on transcript NM_033380.3 (MANE Select); coding-DNA position 718, C replaced by T.
Protein change: p.Pro240Ser; replaces proline 240 with serine.
Molecular consequence: missense variant.
Genome position (GRCh38, 1-based): chrX:108,578,321, C>T. VCF-style: chrX-108578321-C-T. GRCh37 (hg19) VCF-style: chrX-107821551-C-T.
Other names: c.718C>T, p.Pro240Ser (NM_000495.5); short protein forms P240S.
Identifiers: ClinVar variation 2050624 (VCV002050624.1), dbSNP rs2066188491, ClinGen allele CA413924189.